The following is an entry in ClinVar:

NM_001304438.2(TMEM132E):c.2469C>G (p.Asp823Glu)

Gene: TMEM132E (transmembrane protein 132E; plus strand). Cytogenetic location: 17q12.
Variant type: single nucleotide variant.
Coding change: c.2469C>G on transcript NM_001304438.2 (MANE Select); coding-DNA position 2469, C replaced by G.
Protein change: p.Asp823Glu; replaces aspartic acid 823 with glutamic acid.
Molecular consequence: missense variant.
Genome position (GRCh38, 1-based): chr17:34,637,476, C>G. VCF-style: chr17-34637476-C-G. GRCh37 (hg19) VCF-style: chr17-32964495-C-G.
Other names: short protein forms D823E.
Identifiers: ClinVar variation 4997065 (VCV004997065.1).

ClinVar aggregate classification (germline): Uncertain significance (1 of 4 stars; one submission).

Conditions:
TMEM132E-related disorder. Also called: TMEM132E-related condition.

gnomAD v4.1: 3 of 1,611,532 alleles (0.00019%); highest among the groups gnomAD compares: Non-Finnish European, 0.00025%; no homozygotes.

Submission:

PreventionGenetics, part of Exact Sciences
Classification: Uncertain significance for TMEM132E-related condition. Last evaluated: 2024-11-20. Review status: criteria provided, single submitter. Criteria: ACMG Guidelines, 2015. Collection method: clinical testing. Allele origin: germline.
Comment: The TMEM132E c.2469C>G variant is predicted to result in the amino acid substitution p.Asp823Glu. To our knowledge, this variant has not been reported in the literature. This variant is reported in 0.0019% of alleles in individuals of European (Non-Finnish) descent in gnomAD. At this time, the clinical significance of this variant is uncertain due to the absence of conclusive functional and genetic evidence.